The following is an entry in ClinVar:

NM_001220.5(CAMK2B):c.935G>A (p.Arg312Gln)

Gene: CAMK2B (calcium/calmodulin dependent protein kinase II beta; minus strand). Cytogenetic location: 7p13.
Variant type: single nucleotide variant.
Coding change: c.935G>A on transcript NM_001220.5 (MANE Select); coding-DNA position 935, G replaced by A.
Protein change: p.Arg312Gln; replaces arginine 312 with glutamine.
Molecular consequence: missense variant.
Genome position (GRCh38, 1-based): chr7:44,240,718, C>T on the plus strand (G>A on the coding strand, the complement: CAMK2B is on the minus strand). VCF-style: chr7-44240718-C-T. GRCh37 (hg19) VCF-style: chr7-44280317-C-T.
Other names: c.935G>A, p.Arg312Gln (NM_001293170.2, NM_172078.3, NM_172079.3 and 5 more transcripts); short protein forms R312Q.
Identifiers: ClinVar variation 2810595 (VCV002810595.3), dbSNP rs2485976484, ClinGen allele CA367362847.

ClinVar aggregate classification (germline): Uncertain significance (1 of 4 stars; one submission).

Allele frequency attached by ClinVar (database versions not stated): gnomAD exomes below 0.00001.
gnomAD v4.1: 2 of 1,613,958 alleles (0.00012%); highest among the groups gnomAD compares: African/African-American, 0.0013%; no homozygotes.

Submission:

Labcorp Genetics (formerly Invitae), Labcorp
Classification: Uncertain significance. Last evaluated: 2024-01-11. Review status: criteria provided, single submitter. Criteria: Invitae Variant Classification Sherloc (09022015). Collection method: clinical testing. Allele origin: germline.
Comment: This sequence change replaces arginine, which is basic and polar, with glutamine, which is neutral and polar, at codon 312 of the CAMK2B protein (p.Arg312Gln). This variant is not present in population databases (gnomAD no frequency). This variant has not been reported in the literature in individuals affected with CAMK2B-related conditions. An algorithm developed to predict the effect of missense changes on protein structure and function (PolyPhen-2) suggests that this variant is likely to be tolerated. In summary, the available evidence is currently insufficient to determine the role of this variant in disease. Therefore, it has been classified as a Variant of Uncertain Significance.